The following is an entry in ClinVar:

ClinVar aggregate classification (germline): Benign/Likely benign. Review status: criteria provided, multiple submitters, no conflicts (2 of 4 stars). 2 submissions from 2 submitters: Benign (1); Likely benign (1). Last evaluated 2023-05-01.

Submissions (2):

Labcorp Genetics (formerly Invitae), Labcorp
Classification: Benign. Last evaluated: 2023-05-01. Review status: criteria provided, single submitter. Criteria: Invitae Variant Classification Sherloc (09022015). Collection method: clinical testing. Allele origin: germline.

Laboratory for Molecular Medicine, Mass General Brigham Personalized Medicine
Classification: Likely benign. Last evaluated: 2013-08-19. Review status: criteria provided, single submitter. Criteria: LMM Criteria. Collection method: clinical testing. Allele origin: germline. Observed: 1 variant allele.
Comment: 2629-15_2629-14insC in Exon 36 of COL11A2: This variant is not expected to have clinical significance because it is not located within the splice consensus seq uence and is not predicted to impact splicing.

NM_080680.3(COL11A2):c.2629-15dup

Gene: COL11A2 (collagen type XI alpha 2 chain; minus strand). Cytogenetic location: 6p21.32.
Variant type: Duplication.
Coding change: c.2629-15dup on transcript NM_080680.3 (MANE Select); 15 bases into the intron before coding-DNA position 2629, one base duplicated (C; older notation c.2629-15dupC).
Molecular consequence: intron variant.
Genome position (GRCh38, 1-based): chr6:33,173,570, G duplicated on the plus strand (C on the coding strand, the reverse complement: COL11A2 is on the minus strand); the first of 6 consecutive G bases (chr6:33,173,570-33,173,575); duplicating any one gives the same sequence. VCF-style (leftmost placement, unchanged base first): chr6-33173569-T-TG. GRCh37 (hg19) VCF-style: chr6-33141346-T-TG.
Other names: c.2308-15dup (NM_080679.3); c.2371-15dup (NM_080681.3); c.2629-15_2629-14insC (NM_080680.2).
Identifiers: ClinVar variation 162991 (VCV000162991.7), dbSNP rs727502942, ClinGen allele CA175568.
Genomic context (GRCh38, chr6:33,173,569, plus strand): 5'-CCTTTCGGTCCAGGAAACCCGTTGGGACCCTGAGGTCCAGGGAGGCCCTAGAGACAGAGG[T>TG]GGGGGGAGTCAGGAGAATGGGGGCAGGGGCTGAGTGGGGGAACTCAGCTTCCTTCCTGGG-3'